The following is an entry in ClinVar:

NM_001161403.3(LIMS2):c.167A>G (p.Tyr56Cys)

Gene: LIMS2 (LIM zinc finger domain containing 2; minus strand). Cytogenetic location: 2q14.3.
Variant type: single nucleotide variant.
Coding change: c.167A>G on transcript NM_001161403.3 (MANE Select); coding-DNA position 167, A replaced by G.
Protein change: p.Tyr56Cys; replaces tyrosine 56 with cysteine.
Molecular consequence: missense variant.
Genome position (GRCh38, 1-based): chr2:127,657,407, T>C on the plus strand (A>G on the coding strand, the complement: LIMS2 is on the minus strand). VCF-style: chr2-127657407-T-C. GRCh37 (hg19) VCF-style: chr2-128414981-T-C.
Other names: c.233A>G, p.Tyr78Cys (NM_001136037.4); c.152A>G, p.Tyr51Cys (NM_001161404.2); c.239A>G, p.Tyr80Cys (NM_017980.5); short protein forms Y51C, Y56C, Y78C, Y80C.
Identifiers: ClinVar variation 1053971 (VCV001053971.9), dbSNP rs752811662, ClinGen allele CA1863552.
Genomic context (GRCh38, chr2:127,657,407, plus strand): 5'-CTCATAGAGGGCAGACTCCGAGCTGGGTCTGAGAAAGCCCTCAGTAGTGTCCTCACCTCA[T>C]AGAAGAGCCCCTCGGGGAAGGGCCGGAAGCACTGGGCACACACGAAGCAGTGCTCATGGT-3'
Protein context (NP_001154875.1, residues 46-66): CFRPFPEGLF[Tyr56Cys]EFEGRKYCEH

ClinVar aggregate classification (germline): Uncertain significance (1 of 4 stars; one submission).

Conditions:
Autosomal recessive limb-girdle muscular dystrophy type 2W (MDRCMTT). Also called: Muscular dystrophy, autosomal recessive, with cardiomyopathy and triangular tongue; Muscular dystrophy, limb-girdle, type 2W. Identifiers: MedGen C4225192, MONDO:0014788, OMIM 616827.

Allele frequency attached by ClinVar (database versions not stated): gnomAD 0.00001; gnomAD exomes 0.00002 and 0.00004; ExAC 0.00004.
gnomAD v4.1: 35 of 1,613,600 alleles (0.0022%); highest among the groups gnomAD compares: South Asian, 0.027%; no homozygotes.

Submission:

Labcorp Genetics (formerly Invitae), Labcorp
Classification: Uncertain significance for Autosomal recessive limb-girdle muscular dystrophy type 2W. Last evaluated: 2021-06-22. Review status: criteria provided, single submitter. Criteria: Invitae Variant Classification Sherloc (09022015). Collection method: clinical testing. Allele origin: germline.
Comment: In summary, the available evidence is currently insufficient to determine the role of this variant in disease. Therefore, it has been classified as a Variant of Uncertain Significance. Algorithms developed to predict the effect of sequence changes on RNA splicing suggest that this variant may create or strengthen a splice site, but this prediction has not been confirmed by published transcriptional studies. Algorithms developed to predict the effect of missense changes on protein structure and function (SIFT, PolyPhen-2, Align-GVGD) all suggest that this variant is likely to be disruptive, but these predictions have not been confirmed by published functional studies and their clinical significance is uncertain. This variant has not been reported in the literature in individuals with LIMS2-related conditions. This variant is present in population databases (rs752811662, ExAC 0.02%). This sequence change replaces tyrosine with cysteine at codon 78 of the LIMS2 protein (p.Tyr78Cys). The tyrosine residue is highly conserved and there is a large physicochemical difference between tyrosine and cysteine.